The following is an entry in ClinVar:

NM_006361.6(HOXB13):c.738G>T (p.Arg246Ser)

Gene: HOXB13 (homeobox B13; minus strand). Cytogenetic location: 17q21.32.
Variant type: single nucleotide variant.
Coding change: c.738G>T on transcript NM_006361.6 (MANE Select); coding-DNA position 738, G replaced by T.
Protein change: p.Arg246Ser; replaces arginine 246 with serine.
Molecular consequence: missense variant.
Genome position (GRCh38, 1-based): chr17:48,726,907, C>A on the plus strand (G>T on the coding strand, the complement: HOXB13 is on the minus strand). VCF-style: chr17-48726907-C-A. GRCh37 (hg19) VCF-style: chr17-46804269-C-A.
Other names: short protein forms R246S.
Identifiers: ClinVar variation 5022691 (VCV005022691.1).

ClinVar aggregate classification (germline): Uncertain significance (1 of 4 stars; one submission).

Conditions:
Hereditary cancer-predisposing syndrome. Also called: Neoplastic Syndromes, Hereditary; Tumor predisposition; Hereditary neoplastic syndrome; Hereditary Cancer Syndrome. Identifiers: Orphanet 140162, MedGen C0027672, MeSH D009386, MONDO:0015356.

Submission:

Ambry Genetics
Classification: Uncertain significance for Hereditary cancer-predisposing syndrome. Last evaluated: 2026-06-27. Review status: criteria provided, single submitter. Criteria: Ambry Variant Classification Scheme 2023. Collection method: clinical testing. Allele origin: germline.
Comment: The p.R246S variant (also known as c.738G>T), located in coding exon 2 of the HOXB13 gene, results from a G to T substitution at nucleotide position 738. The arginine at codon 246 is replaced by serine, an amino acid with dissimilar properties. This amino acid position is conserved. In addition, this alteration is predicted to be deleterious by in silico analysis. Based on the available evidence, the clinical significance of this variant remains unclear.